The following is an entry in ClinVar:

NM_003105.6(SORL1):c.3798C>T (p.Ser1266=)

Gene: SORL1 (sortilin related receptor 1; plus strand). Cytogenetic location: 11q24.1.
Variant type: single nucleotide variant.
Coding change: c.3798C>T on transcript NM_003105.6 (MANE Select); coding-DNA position 3798, C replaced by T.
Protein change: p.Ser1266=; no amino-acid change (serine 1266 retained).
Molecular consequence: synonymous variant.
Genome position (GRCh38, 1-based): chr11:121,586,313, C>T. VCF-style: chr11-121586313-C-T. GRCh37 (hg19) VCF-style: chr11-121457022-C-T.
Identifiers: ClinVar variation 785389 (VCV000785389.12), dbSNP rs113246162, ClinGen allele CA6329401.

ClinVar aggregate classification (germline): Benign. Review status: criteria provided, multiple submitters, no conflicts (2 of 4 stars). 3 submissions from 3 submitters: Benign (3). Last evaluated 2026-01-20.

Conditions:
SORL1-related disorder. Also called: SORL1-related condition.

Allele frequency attached by ClinVar (database versions not stated): 1000 Genomes Project 30x 0.01249; gnomAD exomes 0.00102 and 0.00233; ExAC 0.00297; gnomAD 0.00856 and 0.00906; TOPMed 0.00903; ESP Exome Variant Server 0.01030; 1000 Genomes Project 0.01238.
gnomAD v4.1: 2,866 of 1,613,714 alleles (0.18%); highest among the groups gnomAD compares: African/African-American, 2.9%; 30 homozygotes.

Submissions (3):

Labcorp Genetics (formerly Invitae), Labcorp
Classification: Benign. Last evaluated: 2026-01-20. Review status: criteria provided, single submitter. Criteria: Invitae Variant Classification Sherloc (09022015). Collection method: clinical testing. Allele origin: germline.

PreventionGenetics, part of Exact Sciences
Classification: Benign for SORL1-related condition. Last evaluated: 2024-11-15. Review status: criteria provided, single submitter. Criteria: ACMG Guidelines, 2015. Collection method: clinical testing. Allele origin: germline.
Comment: This variant is classified as benign based on ACMG/AMP sequence variant interpretation guidelines (Richards et al. 2015 PMID: 25741868, with internal and published modifications).

Breakthrough Genomics
Classification: Benign. Review status: criteria provided, single submitter. Criteria: ACMG Guidelines, 2015. Collection method: not provided. Allele origin: germline. Inheritance: Unknown mechanism. Affected: yes.